The following is an entry in ClinVar:

NM_001111020.3(SUPT5H):c.876+7G>A

Gene: SUPT5H (SPT5 homolog, DSIF elongation factor subunit; plus strand). Cytogenetic location: 19q13.2.
Variant type: single nucleotide variant.
Coding change: c.876+7G>A on transcript NM_001111020.3 (MANE Select); 7 bases into the intron after coding-DNA position 876, G replaced by A.
Molecular consequence: intron variant.
Genome position (GRCh38, 1-based): chr19:39,465,056, G>A. VCF-style: chr19-39465056-G-A. GRCh37 (hg19) VCF-style: chr19-39955696-G-A.
Other names: c.864+7G>A (NM_001130825.2, NM_001319991.2); c.876+7G>A (NM_001130824.2, NM_001319990.2, NM_003169.4).
Identifiers: ClinVar variation 2649835 (VCV002649835.24), dbSNP rs181164356, ClinGen allele CA9430757.

ClinVar aggregate classification (germline): Likely benign (1 of 4 stars; one submission).

Allele frequency attached by ClinVar (database versions not stated): 1000 Genomes Project 0.00140; 1000 Genomes Project 30x 0.00141; gnomAD 0.00321; TOPMed 0.00345; ESP Exome Variant Server 0.00446; ExAC 0.00460.
gnomAD v4.1: 8,758 of 1,607,882 alleles (0.54%); highest among the groups gnomAD compares: Non-Finnish European, 0.69%; 33 homozygotes.

Submission:

CeGaT Center for Human Genetics Tuebingen
Classification: Likely benign. Last evaluated: 2023-11-01. Review status: criteria provided, single submitter. Criteria: CeGaT Center For Human Genetics Tuebingen Variant Classification Criteria Version 2. Collection method: clinical testing. Allele origin: germline. Affected: yes. Observed: 2 variant alleles.
Comment: SUPT5H: BP4, BS2